The following is an entry in ClinVar:

ClinVar aggregate classification (germline): Likely benign. Review status: criteria provided, multiple submitters, no conflicts (2 of 4 stars). 3 submissions from 3 submitters: Likely benign (3). Last evaluated 2026-09-01.

Conditions:
Inborn genetic diseases. Identifiers: MedGen C0950123, MeSH D030342.
Idiopathic generalized epilepsy. Also called: Generalised epilepsy; EIG. Identifiers: MedGen C0270850, MONDO:0005579, OMIM 600669.

Allele frequency attached by ClinVar (database versions not stated): gnomAD exomes 0.00004 and 0.00005; TOPMed 0.00004; gnomAD 0.00005.
gnomAD v4.1: 68 of 1,566,860 alleles (0.0043%); highest among the groups gnomAD compares: Admixed American, 0.013%; no homozygotes.

Submissions (3):

CeGaT Center for Human Genetics Tuebingen
Classification: Likely benign. Last evaluated: 2026-09-01. Review status: criteria provided, single submitter. Criteria: CeGaT Center For Human Genetics Tuebingen Variant Classification Criteria Version 2. Collection method: clinical testing. Allele origin: germline. Affected: yes. Observed: 1 variant allele.
Comment: GABRD: BP4, BP7

Labcorp Genetics (formerly Invitae), Labcorp
Classification: Likely benign for Idiopathic generalized epilepsy. Last evaluated: 2026-01-01. Review status: criteria provided, single submitter. Criteria: Invitae Variant Classification Sherloc (09022015). Collection method: clinical testing. Allele origin: germline.

Ambry Genetics
Classification: Likely benign for Inborn genetic diseases. Last evaluated: 2019-10-23. Review status: criteria provided, single submitter. Criteria: Ambry Variant Classification Scheme 2023. Collection method: clinical testing. Allele origin: germline.

NM_000815.5(GABRD):c.822G>A (p.Ala274=)

Gene: GABRD (gamma-aminobutyric acid type A receptor subunit delta; plus strand). Cytogenetic location: 1p36.33.
Variant type: single nucleotide variant.
Coding change: c.822G>A on transcript NM_000815.5 (MANE Select); coding-DNA position 822, G replaced by A.
Protein change: p.Ala274=; no amino-acid change (alanine 274 retained).
Molecular consequence: synonymous variant.
Genome position (GRCh38, 1-based): chr1:2,029,241, G>A. VCF-style: chr1-2029241-G-A. GRCh37 (hg19) VCF-style: chr1-1960680-G-A.
Identifiers: ClinVar variation 1123931 (VCV001123931.12), dbSNP rs769125045, ClinGen allele CA534795.
Genomic context (GRCh38, chr1:2,029,241, plus strand): 5'-CTACATGCCCTCCGTCCTGCTGGTCGCCATGTCCTGGGTCTCCTTCTGGATCAGCCAGGC[G>A]GCGGTGCCCGCCAGGGTGTCTCTAGGTACGGGGCCTCGCCGCTGCTCCGAGGGAGCTGGA-3'
Protein context (NP_000806.2, residues 264-284): MSWVSFWISQ[Ala274=]AVPARVSLGI